The following is an entry in ClinVar:

ClinVar aggregate classification (germline): Uncertain significance (1 of 4 stars; one submission).

Submission:

Labcorp Genetics (formerly Invitae), Labcorp
Classification: Uncertain significance. Last evaluated: 2024-10-15. Review status: criteria provided, single submitter. Criteria: Invitae Variant Classification Sherloc (09022015). Collection method: clinical testing. Allele origin: germline.
Comment: This sequence change replaces alanine, which is neutral and non-polar, with valine, which is neutral and non-polar, at codon 167 of the LPAR6 protein (p.Ala167Val). This variant is not present in population databases (gnomAD no frequency). This variant has not been reported in the literature in individuals affected with LPAR6-related conditions. ClinVar contains an entry for this variant (Variation ID: 2101870). An algorithm developed to predict the effect of missense changes on protein structure and function (PolyPhen-2) suggests that this variant is likely to be tolerated. In summary, the available evidence is currently insufficient to determine the role of this variant in disease. Therefore, it has been classified as a Variant of Uncertain Significance.

NM_001162498.3(LPAR6):c.500C>T (p.Ala167Val)

Genes: LPAR6 (lysophosphatidic acid receptor 6; minus strand), RB1 (RB transcriptional corepressor 1; plus strand). Cytogenetic location: 13q14.2.
Variant type: single nucleotide variant.
Coding change: c.500C>T on transcript NM_001162498.3 (MANE Select); coding-DNA position 500, C replaced by T.
Protein change: p.Ala167Val; replaces alanine 167 with valine.
Molecular consequence: missense variant. On other transcripts: intron variant (2).
Genome position (GRCh38, 1-based): chr13:48,411,924, G>A on the plus strand (C>T on the coding strand, the complement: LPAR6 is on the minus strand). VCF-style: chr13-48411924-G-A. GRCh37 (hg19) VCF-style: chr13-48986060-G-A.
Other names: c.500C>T, p.Ala167Val (NM_001162497.3, NM_001377316.2, NM_001377317.2 and 1 more transcripts); c.1695+30481G>A (NM_001407165.1, NM_000321.3); short protein forms A167V.
Identifiers: ClinVar variation 2101870 (VCV002101870.4), dbSNP rs2542258588, ClinGen allele CA388159031.